The following is an entry in ClinVar:

ClinVar aggregate classification (germline): Pathogenic/Likely pathogenic. Review status: criteria provided, multiple submitters, no conflicts (2 of 4 stars). 2 submissions from 2 submitters: Pathogenic (1); Likely pathogenic (1). Last evaluated 2023-01-25.

Conditions:
Junctional epidermolysis bullosa. Identifiers: Orphanet 305, MedGen C0079301, MONDO:0017612.

Allele frequency attached by ClinVar (database versions not stated): gnomAD exomes below 0.00001; ExAC 0.00001; gnomAD 0.00001; TOPMed 0.00001.
gnomAD v4.1: 5 of 1,614,070 alleles (0.00031%); highest among the groups gnomAD compares: African/African-American, 0.0013%; no homozygotes.

Submissions (2):

Labcorp Genetics (formerly Invitae), Labcorp
Classification: Likely pathogenic. Last evaluated: 2023-01-25. Review status: criteria provided, single submitter. Criteria: Invitae Variant Classification Sherloc (09022015). Collection method: clinical testing. Allele origin: germline.
Comment: ClinVar contains an entry for this variant (Variation ID: 379785). This sequence change affects an acceptor splice site in intron 5 of the COL17A1 gene. It is expected to disrupt RNA splicing. Variants that disrupt the donor or acceptor splice site typically lead to a loss of protein function (PMID: 16199547), and loss-of-function variants in COL17A1 are known to be pathogenic (PMID: 16473856, 17344927, 20301304, 21357940, 24319098). This variant is present in population databases (rs754289857, gnomAD 0.007%). This variant has not been reported in the literature in individuals affected with COL17A1-related conditions. Algorithms developed to predict the effect of sequence changes on RNA splicing suggest that this variant may disrupt the consensus splice site. In summary, the currently available evidence indicates that the variant is pathogenic, but additional data are needed to prove that conclusively. Therefore, this variant has been classified as Likely Pathogenic.

GeneDx
Classification: Pathogenic. Last evaluated: 2015-05-28. Review status: criteria provided, single submitter. Criteria: GeneDx Variant Classification (06012015). Collection method: clinical testing. Allele origin: germline. Affected: yes.
Comment: The c.332-1G>A variant in the COL17A1 gene has not been reported previously as a pathogenic variant nor as a benign polymorphism, to our knowledge. This splice site change destroys the canonicalsplice acceptor site in intron 5. It is predicted to cause abnormal gene splicing, either leading to an abnormalmessage that is subject to nonsense-mediated mRNA decay, or to an abnormal protein product if the messageis used for protein translation. The c.332-1G>A change was not observed in approximately 6500 individuals ofEuropean and African American ancestry in the NHLBI Exome Sequencing Project, indicating it is not acommon benign variant in these populations. In summary, we interpret c.332-1G>A as a pathogenic variant.

Literature cited by the submitters: PubMed 16199547 (cited by Labcorp Genetics (formerly Invitae), Labcorp); PubMed 16473856 (cited by Labcorp Genetics (formerly Invitae), Labcorp); PubMed 17344927 (cited by Labcorp Genetics (formerly Invitae), Labcorp); PubMed 20301304 (cited by Labcorp Genetics (formerly Invitae), Labcorp); PubMed 21357940 (cited by Labcorp Genetics (formerly Invitae), Labcorp); PubMed 24319098 (cited by Labcorp Genetics (formerly Invitae), Labcorp).

NM_000494.4(COL17A1):c.332-1G>A

Gene: COL17A1 (collagen type XVII alpha 1 chain; minus strand). Cytogenetic location: 10q25.1.
Variant type: single nucleotide variant.
Coding change: c.332-1G>A on transcript NM_000494.4 (MANE Select); the canonical splice acceptor site of the intron before coding-DNA position 332, G replaced by A.
Molecular consequence: splice acceptor variant.
Genome position (GRCh38, 1-based): chr10:104,074,232, C>T on the plus strand (G>A on the coding strand, the complement: COL17A1 is on the minus strand). VCF-style: chr10-104074232-C-T. GRCh37 (hg19) VCF-style: chr10-105833990-C-T.
Identifiers: ClinVar variation 379785 (VCV000379785.7), dbSNP rs754289857, ClinGen allele CA5679481.